The following is an entry in ClinVar:

NM_014314.4(RIGI):c.890C>G (p.Ala297Gly)

Gene: RIGI (RNA sensor RIG-I; minus strand). Cytogenetic location: 9p21.1.
Variant type: single nucleotide variant.
Coding change: c.890C>G on transcript NM_014314.4 (MANE Select); coding-DNA position 890, C replaced by G.
Protein change: p.Ala297Gly; replaces alanine 297 with glycine.
Molecular consequence: missense variant.
Genome position (GRCh38, 1-based): chr9:32,488,797, G>C on the plus strand (C>G on the coding strand, the complement: RIGI is on the minus strand). VCF-style: chr9-32488797-G-C. GRCh37 (hg19) VCF-style: chr9-32488795-G-C.
Other names: c.890C>G, p.Ala297Gly (NM_001385907.1, NM_001385909.1); c.449C>G, p.Ala150Gly (NM_001385910.1); c.281C>G, p.Ala94Gly (NM_001385912.1); c.875C>G, p.Ala292Gly (NM_001385913.1); c.446C>G, p.Ala149Gly (NM_001385914.1); short protein forms A150G, A292G, A94G, A149G, A297G.
Identifiers: ClinVar variation 3679935 (VCV003679935.2).

ClinVar aggregate classification (germline): Uncertain significance (1 of 4 stars; one submission).

gnomAD v4.1: 2 of 1,612,784 alleles (0.00012%); highest among the groups gnomAD compares: Non-Finnish European, 0.00017%; no homozygotes.

Submission:

Labcorp Genetics (formerly Invitae), Labcorp
Classification: Uncertain significance. Last evaluated: 2024-04-25. Review status: criteria provided, single submitter. Criteria: Invitae Variant Classification Sherloc (09022015). Collection method: clinical testing. Allele origin: germline.
Comment: This sequence change replaces alanine, which is neutral and non-polar, with glycine, which is neutral and non-polar, at codon 297 of the DDX58 protein (p.Ala297Gly). This variant is present in population databases (no rsID available, gnomAD 0.007%). This variant has not been reported in the literature in individuals affected with DDX58-related conditions. Advanced modeling of protein sequence and biophysical properties (such as structural, functional, and spatial information, amino acid conservation, physicochemical variation, residue mobility, and thermodynamic stability) performed at Invitae indicates that this missense variant is expected to disrupt DDX58 protein function with a positive predictive value of 80%. In summary, the available evidence is currently insufficient to determine the role of this variant in disease. Therefore, it has been classified as a Variant of Uncertain Significance.